The following is an entry in ClinVar:

ClinVar aggregate classification (germline): Benign/Likely benign. Review status: criteria provided, multiple submitters, no conflicts (2 of 4 stars). 2 submissions from 2 submitters: Benign (1); Likely benign (1). Last evaluated 2024-05-15.

Conditions:
Hereditary cancer-predisposing syndrome. Also called: Neoplastic Syndromes, Hereditary; Tumor predisposition; Hereditary Cancer Syndrome; Hereditary neoplastic syndrome. Identifiers: Orphanet 140162, MedGen C0027672, MeSH D009386, MONDO:0015356.
Familial cancer of breast. Also called: BREAST CANCER, FAMILIAL; Hereditary breast cancer; hereditary breast carcinoma. Identifiers: Orphanet 227535, MedGen C0346153, MONDO:0016419, OMIM 114480. Disease mechanism: loss of function.

Submissions (2):

Myriad Genetics, Inc.
Classification: Benign for Familial cancer of breast. Last evaluated: 2024-05-15. Review status: criteria provided, single submitter. Criteria: Myriad Autosomal Dominant, Autosomal Recessive and X-Linked Classification Criteria (2023). Collection method: clinical testing. Allele origin: unknown.
Comment: This variant is considered benign. This variant is a silent/synonymous amino acid change and it is not expected to impact splicing.

Ambry Genetics
Classification: Likely benign for Hereditary cancer-predisposing syndrome. Last evaluated: 2022-03-08. Review status: criteria provided, single submitter. Criteria: Ambry Variant Classification Scheme 2023. Collection method: clinical testing. Allele origin: germline.

NM_000051.4(ATM):c.3708T>C (p.Phe1236=)

Gene: ATM (ATM serine/threonine kinase; plus strand). Cytogenetic location: 11q22.3.
Variant type: single nucleotide variant.
Coding change: c.3708T>C on transcript NM_000051.4 (MANE Select); coding-DNA position 3708, T replaced by C.
Protein change: p.Phe1236=; no amino-acid change (phenylalanine 1236 retained).
Molecular consequence: synonymous variant.
Genome position (GRCh38, 1-based): chr11:108,282,841, T>C. VCF-style: chr11-108282841-T-C. GRCh37 (hg19) VCF-style: chr11-108153568-T-C.
Other names: c.3708T>C, p.Phe1236= (NM_001351834.2).
Identifiers: ClinVar variation 1734162 (VCV001734162.3), dbSNP rs2546880329, ClinGen allele CA476673324.